The following is an entry in ClinVar:

NM_000444.6(PHEX):c.508_529del (p.Leu170fs)

Gene: PHEX (phosphate regulating endopeptidase homolog X-linked; plus strand). Cytogenetic location: Xp22.11.
Variant type: Deletion.
Coding change: c.508_529del on transcript NM_000444.6 (MANE Select); coding-DNA positions 508 to 529, 22 bases deleted (CTTGAATCTAATATTGGCCCTG).
Protein change: p.Leu170fs; shifts the reading frame from leucine 170.
Molecular consequence: frameshift variant.
Genome position (GRCh38, 1-based): chrX:22,077,547-22,077,568, CTTGAATCTAATATTGGCCCTG deleted; deleting any 22 consecutive bases within chrX:22,077,545-22,077,568 gives the same sequence; the c. name uses the placement nearest the transcript's 3' end. VCF-style (leftmost placement, unchanged base first): chrX-22077544-GTGCTTGAATCTAATATTGGCCC-G. GRCh37 (hg19) VCF-style: chrX-22095662-GTGCTTGAATCTAATATTGGCCC-G.
Other names: c.508_529del, p.Leu170fs (NM_001282754.2); short protein forms L170fs.
Identifiers: ClinVar variation 280486 (VCV000280486.2), dbSNP rs886041680, ClinGen allele CA10603555.

ClinVar aggregate classification (germline): Pathogenic (1 of 4 stars; one submission).

Submission:

GeneDx
Classification: Pathogenic. Last evaluated: 2016-04-19. Review status: criteria provided, single submitter. Criteria: GeneDx Variant Classification (06012015). Collection method: clinical testing. Allele origin: germline. Affected: yes.
Comment: The c.508_529del22 pathogenic variant in the PHEX gene causes a frameshift starting with codon Leucine 170, changes this amino acid to a Lysine residue and creates a premature Stop codon at position 44 of the new reading frame, denoted p.Leu170LysfsX44. This pathogenic variant is predicted to cause loss of normal protein function either through protein truncation or nonsense-mediated mRNA decay. The variant was not observed in approximately 6,500 individuals of European and African American ancestry in the NHLBI Exome Sequencing Project, indicating it is not a common benign variant in these populations.